The following is an entry in ClinVar:

ClinVar aggregate classification (germline): Uncertain significance. Review status: criteria provided, multiple submitters, no conflicts (2 of 4 stars). 3 submissions from 3 submitters: Uncertain significance (3). Last evaluated 2025-10-13.

Conditions:
RECQL4-related disorder. Also called: RECQL4-related disorders; RECQL4-related condition.
Inborn genetic diseases. Identifiers: MedGen C0950123, MeSH D030342.
Baller-Gerold syndrome (BGS). Also called: CRANIOSYNOSTOSIS WITH RADIAL DEFECTS. Identifiers: Orphanet 1225, MedGen C0265308, MONDO:0009039, OMIM 218600.

Allele frequency attached by ClinVar (database versions not stated): ExAC 0.00001; gnomAD 0.00003.
gnomAD v4.1: 11 of 1,612,448 alleles (0.00068%); highest among the groups gnomAD compares: Admixed American, 0.018%; no homozygotes.

Submissions (3):

Labcorp Genetics (formerly Invitae), Labcorp
Classification: Uncertain significance for Baller-Gerold syndrome. Last evaluated: 2025-10-13. Review status: criteria provided, single submitter. Criteria: Invitae Variant Classification Sherloc (09022015). Collection method: clinical testing. Allele origin: germline.
Comment: This sequence change replaces aspartic acid, which is acidic and polar, with histidine, which is basic and polar, at codon 410 of the RECQL4 protein (p.Asp410His). This variant is present in population databases (rs558779399, gnomAD 0.02%). This variant has not been reported in the literature in individuals affected with RECQL4-related conditions. ClinVar contains an entry for this variant (Variation ID: 656527). Invitae Evidence Modeling of protein sequence and biophysical properties (such as structural, functional, and spatial information, amino acid conservation, physicochemical variation, residue mobility, and thermodynamic stability) indicates that this missense variant is not expected to disrupt RECQL4 protein function with a negative predictive value of 80%. In summary, the available evidence is currently insufficient to determine the role of this variant in disease. Therefore, it has been classified as a Variant of Uncertain Significance.

PreventionGenetics, part of Exact Sciences
Classification: Uncertain significance for RECQL4-related condition. Last evaluated: 2025-03-31. Review status: criteria provided, single submitter. Criteria: ACMG Guidelines, 2015. Collection method: clinical testing. Allele origin: germline.
Comment: The RECQL4 c.1228G>C variant is predicted to result in the amino acid substitution p.Asp410His. To our knowledge, this variant has not been reported in the literature. This variant is reported in 0.023% of alleles in individuals of Latino descent in gnomAD. At this time, the clinical significance of this variant is uncertain due to the absence of conclusive functional and genetic evidence.

Ambry Genetics
Classification: Uncertain significance for Inborn genetic diseases. Last evaluated: 2024-11-22. Review status: criteria provided, single submitter. Criteria: Ambry Variant Classification Scheme 2023. Collection method: clinical testing. Allele origin: germline.
Comment: The p.D410H variant (also known as c.1228G>C), located in coding exon 6 of the RECQL4 gene, results from a G to C substitution at nucleotide position 1228. The aspartic acid at codon 410 is replaced by histidine, an amino acid with similar properties. This amino acid position is conserved. In addition, this alteration is predicted to be tolerated by in silico analysis. Based on the available evidence, the clinical significance of this variant remains unclear.

NM_004260.4(RECQL4):c.1228G>C (p.Asp410His)

Gene: RECQL4 (RecQ like helicase 4; minus strand). Cytogenetic location: 8q24.3.
Variant type: single nucleotide variant.
Coding change: c.1228G>C on transcript NM_004260.4 (MANE Select); coding-DNA position 1228, G replaced by C.
Protein change: p.Asp410His; replaces aspartic acid 410 with histidine.
Molecular consequence: missense variant.
Genome position (GRCh38, 1-based): chr8:144,515,794, C>G on the plus strand (G>C on the coding strand, the complement: RECQL4 is on the minus strand). VCF-style: chr8-144515794-C-G. GRCh37 (hg19) VCF-style: chr8-145741178-C-G.
Other names: short protein forms D410H.
Identifiers: ClinVar variation 656527 (VCV000656527.9), dbSNP rs558779399, ClinGen allele CA4948985.